The following is an entry in ClinVar:

ClinVar aggregate classification (germline): Likely pathogenic (1 of 4 stars; one submission).

Conditions:
X-linked lissencephaly with abnormal genitalia. Identifiers: Orphanet 452, MedGen C1846171, MONDO:0010268, OMIM 300215.
Intellectual disability, X-linked, with or without seizures, ARX-related. Also called: MENTAL RETARDATION, X-LINKED 29; MENTAL RETARDATION, X-LINKED 32; MENTAL RETARDATION, X-LINKED 33; MENTAL RETARDATION, X-LINKED 38; MENTAL RETARDATION, X-LINKED 43; MENTAL RETARDATION, X-LINKED 76. Identifiers: Orphanet 777, MedGen C0796244, MONDO:0010317, OMIM 300419.
Corpus callosum agenesis-abnormal genitalia syndrome. Also called: PROUD SYNDROME; ACC WITH ABNORMAL GENITALIA. Identifiers: Orphanet 2508, MedGen C0796124, MONDO:0010224, OMIM 300004.
Developmental and epileptic encephalopathy, 1 (DEE1). Also called: INFANTILE SPASM SYNDROME, X-LINKED 1; X-linked infantile spasms; West's syndrome; Tonic spasms with clustering, arrest of psychomotor development and hypsarrhythmia on EEG; X-Linked Infantile Spasm Syndrome; OHTAHARA SYNDROME, X-LINKED. Identifiers: MedGen C3463992, MONDO:0010632, OMIM 308350. Disease mechanism: loss of function.
Partington syndrome (PRTS). Also called: MENTAL RETARDATION, X-LINKED 36; MENTAL RETARDATION, X-LINKED, SYNDROMIC 1; MENTAL RETARDATION, X-LINKED, WITH DYSTONIC MOVEMENTS, ATAXIA, AND SEIZURES; Mental retardation-dystonic movements-ataxia-seizures syndrome. Identifiers: Orphanet 94083, MedGen C0796250, MONDO:0010654, OMIM 309510.

Submission:

Molecular Genetics Department, Kulakov National Medical Research Center for Obstetrics, Gynecology and Perinatology
Classification: Likely pathogenic for Corpus callosum agenesis-abnormal genitalia syndrome; X-linked lissencephaly with abnormal genitalia; Intellectual disability, X-linked, with or without seizures, ARX-related; Developmental and epileptic encephalopathy, 1; Partington syndrome. Review status: criteria provided, single submitter. Criteria: ACMG Guidelines, 2015. Collection method: clinical testing. Allele origin: germline. Affected: yes. Observed: 1 variant allele.
Comment: A previously undescribed heterozygous nucleotide variant creates a frameshift p.Ala145ProfsTer18 in the ARX gene. Hemizygous and heterozygous variants are reported in patients with developmental and epileptic encephalopathy 1, 308350; Hydranencephaly with abnormal genitalia, 300215; Intellectual developmental disorder, x-linked 29, 300419; Lissencephaly, x-linked 2, 300215; Partington syndrome, 309510; Proud syndrome, 300004.Variable expressivity and incomplete penetrance have been reported in heterozygous carriers of variants in this gene. The variant is not present in population database (gnomAD no frequency). In summary, the currently available evidence indicates that the variant is pathogenic, but additional data are needed to prove that conclusively. Therefore, this variant has been classified as likely pathogenic.

NM_139058.3(ARX):c.433_448del (p.Ala145fs)

Genes: ARX (aristaless related homeobox; minus strand), LOC109610631 (aristaless related homeobox polyalanine expansion region; plus strand). Cytogenetic location: Xp21.3.
Variant type: Deletion.
Coding change: c.433_448del on transcript NM_139058.3 (MANE Select); coding-DNA positions 433 to 448, 16 bases deleted (GCCGCGGCAGCCGCGG).
Protein change: p.Ala145fs; shifts the reading frame from alanine 145.
Molecular consequence: frameshift variant.
Genome position (GRCh38, 1-based): chrX:25,013,547-25,013,562, CCGCGGCTGCCGCGGC deleted on the plus strand (GCCGCGGCAGCCGCGG on the coding strand, the reverse complement: ARX is on the minus strand). VCF-style (leftmost placement, unchanged base first): chrX-25013546-GCCGCGGCTGCCGCGGC-G. GRCh37 (hg19) VCF-style: chrX-25031663-GCCGCGGCTGCCGCGGC-G.
Other names: short protein forms A145fs.
Identifiers: ClinVar variation 4294490 (VCV004294490.1).
Genomic context (GRCh38, chrX:25,013,546, plus strand): 5'-CTGATGCTCACCTGCGGCGCCTGGCTGATCTTGAGCGTGTCCCAGGCCGCGGCGGCCGCG[GCCGCGGCTGCCGCGGC>G]GGCCCCTGCGCCGTCCGGCCGTTCCCCGGGCCGCGCGGTTGGCGGTGGCGGCGGAGGGGC-3'